The following is an entry in ClinVar:

ClinVar aggregate classification (germline): Benign/Likely benign. Review status: criteria provided, multiple submitters, no conflicts (2 of 4 stars). 3 submissions from 3 submitters: Benign (1); Likely benign (2). Last evaluated 2026-04-24.

Conditions:
Colorectal cancer, susceptibility to, 1. Also called: COLORECTAL ADENOMA AND CANCER, SUSCEPTIBILITY TO; COLORECTAL CANCER, SUSCEPTIBILITY TO, ON CHROMOSOME 9. Identifiers: MedGen C1837315, MONDO:0012132, OMIM 608812.

Allele frequency attached by ClinVar (database versions not stated): TOPMed below 0.00001; ESP Exome Variant Server 0.00008.
gnomAD v4.1: 4 of 1,614,178 alleles (0.00025%); highest among the groups gnomAD compares: Non-Finnish European, 0.00025%; no homozygotes.

Submissions (3):

Myriad Genetics, Inc.
Classification: Benign for Colorectal cancer, susceptibility to, 1. Last evaluated: 2026-04-24. Review status: criteria provided, single submitter. Criteria: Myriad Autosomal Dominant, Autosomal Recessive and X-Linked Classification Criteria (2023). Collection method: clinical testing. Allele origin: unknown.
Comment: This variant is considered benign. This variant is a silent/synonymous amino acid change and it is not expected to impact splicing.

Labcorp Genetics (formerly Invitae), Labcorp
Classification: Likely benign. Last evaluated: 2023-09-26. Review status: criteria provided, single submitter. Criteria: Invitae Variant Classification Sherloc (09022015). Collection method: clinical testing. Allele origin: germline.

Ambry Genetics
Classification: Likely benign. Last evaluated: 2022-10-08. Review status: criteria provided, single submitter. Criteria: Ambry Variant Classification Scheme 2023. Collection method: clinical testing. Allele origin: germline.

NM_024642.5(GALNT12):c.852G>A (p.Val284=)

Gene: GALNT12 (polypeptide N-acetylgalactosaminyltransferase 12; plus strand). Cytogenetic location: 9q22.33.
Variant type: single nucleotide variant.
Coding change: c.852G>A on transcript NM_024642.5 (MANE Select); coding-DNA position 852, G replaced by A.
Protein change: p.Val284=; no amino-acid change (valine 284 retained).
Molecular consequence: synonymous variant.
Genome position (GRCh38, 1-based): chr9:98,831,892, G>A. VCF-style: chr9-98831892-G-A. GRCh37 (hg19) VCF-style: chr9-101594174-G-A.
Identifiers: ClinVar variation 1763753 (VCV001763753.6), dbSNP rs139514746, ClinGen allele CA196823958.
Genomic context (GRCh38, chr9:98,831,892, plus strand): 5'-CTTCGAATACCTGGGGAACTCCGGGGAGCCCCAGATCGGCGGTTTCGACTGGAGGCTGGT[G>A]TTCACGTGGCACACAGTTCCTGAGAGGGAGAGGATACGGATGCAATCCCCCGTCGATGTC-3'
Protein context (NP_078918.3, residues 274-294): PQIGGFDWRL[Val284=]FTWHTVPERE